The following is an entry in ClinVar:

NM_015102.5(NPHP4):c.1377G>A (p.Thr459=)

Gene: NPHP4 (nephrocystin 4; minus strand). Cytogenetic location: 1p36.31.
Variant type: single nucleotide variant.
Coding change: c.1377G>A on transcript NM_015102.5 (MANE Select); coding-DNA position 1377, G replaced by A.
Protein change: p.Thr459=; no amino-acid change (threonine 459 retained).
Molecular consequence: synonymous variant. On other transcripts: missense variant (2), non-coding transcript variant (1).
Genome position (GRCh38, 1-based): chr1:5,927,713, C>T on the plus strand (G>A on the coding strand, the complement: NPHP4 is on the minus strand). VCF-style: chr1-5927713-C-T. GRCh37 (hg19) VCF-style: chr1-5987773-C-T.
Other names: c.11G>A, p.Arg4Gln (NM_001291593.2, NM_001291594.2); c.11G>A (NM_001291594.1); short protein forms R4Q.
Identifiers: ClinVar variation 954088 (VCV000954088.9), dbSNP rs769077319, ClinGen allele CA554535.

ClinVar aggregate classification (germline): Conflicting classifications of pathogenicity. Review status: criteria provided, conflicting classifications (1 of 4 stars). 2 submissions from 2 submitters: Uncertain significance (1); Likely benign (1). Last evaluated 2026-09-23.

Conditions:
NPHP4-related disorder. Also called: NPHP4-related disorders; NPHP4-related condition. Identifiers: MedGen CN239384.
Nephronophthisis. Also called: Juvenile Nephronophthisis. Identifiers: Orphanet 655, MedGen C0687120, MONDO:0019005, HP:0000090.

Allele frequency attached by ClinVar (database versions not stated): TOPMed below 0.00001; gnomAD 0.00001; gnomAD exomes 0.00001 and 0.00003; ExAC 0.00002.
gnomAD v4.1: 20 of 1,613,406 alleles (0.0012%); highest among the groups gnomAD compares: Middle Eastern, 0.016%; no homozygotes.

Submissions (2):

PreventionGenetics, part of Exact Sciences
Classification: Uncertain significance for NPHP4-related condition. Last evaluated: 2026-09-23. Review status: criteria provided, single submitter. Criteria: ACMG Guidelines, 2015. Collection method: clinical testing. Allele origin: germline.
Comment: The NPHP4 c.11G>A variant is predicted to result in the amino acid substitution p.Arg4Gln. To our knowledge, this variant has not been reported in the literature. This variant is reported in 0.023% of alleles in individuals of South Asian descent in gnomAD. At this time, the clinical significance of this variant is uncertain due to the absence of conclusive functional and genetic evidence.

Labcorp Genetics (formerly Invitae), Labcorp
Classification: Likely benign for Nephronophthisis. Last evaluated: 2022-07-12. Review status: criteria provided, single submitter. Criteria: Invitae Variant Classification Sherloc (09022015). Collection method: clinical testing. Allele origin: germline.